The following is an entry in ClinVar:

NM_015346.4(ZFYVE26):c.5681del (p.Pro1894fs)

Gene: ZFYVE26 (zinc finger FYVE-type containing 26; minus strand). Cytogenetic location: 14q24.1.
Variant type: Deletion.
Coding change: c.5681del on transcript NM_015346.4 (MANE Select); coding-DNA position 5681, one base deleted (C; older notation c.5681delC).
Protein change: p.Pro1894fs; shifts the reading frame from proline 1894.
Molecular consequence: frameshift variant.
Genome position (GRCh38, 1-based): chr14:67,767,813, G deleted on the plus strand (C on the coding strand, the reverse complement: ZFYVE26 is on the minus strand); the first of 3 consecutive G bases (chr14:67,767,813-67,767,815); deleting any one gives the same sequence. VCF-style (leftmost placement, unchanged base first): chr14-67767812-AG-A. GRCh37 (hg19) VCF-style: chr14-68234529-AG-A.
Other names: short protein forms P1894fs.
Identifiers: ClinVar variation 3897061 (VCV003897061.1).

ClinVar aggregate classification (germline): Likely pathogenic (1 of 4 stars; one submission).

Conditions:
Hereditary spastic paraplegia 15 (SPG15). Also called: KJELLIN SYNDROME; SPASTIC PARAPLEGIA AND RETINAL DEGENERATION; SPASTIC PARAPLEGIA 15, AUTOSOMAL RECESSIVE. Identifiers: Orphanet 100996, MedGen C1849128, MONDO:0010044, OMIM 270700.

Submission:

Kariminejad - Najmabadi Pathology & Genetics Center
Classification: Likely pathogenic for Hereditary spastic paraplegia 15. Last evaluated: 2023-02-08. Review status: criteria provided, single submitter. Criteria: ACMG Guidelines, 2015. Collection method: clinical testing. Allele origin: germline. Inheritance: Autosomal recessive inheritance. Affected: yes.
Comment: PVS1(VS),PM2(M)